The following is an entry in ClinVar:

ClinVar aggregate classification (germline): Conflicting classifications of pathogenicity. Review status: criteria provided, conflicting classifications (1 of 4 stars). 2 submissions from 2 submitters: Uncertain significance (1); Likely benign (1). Last evaluated 2026-04-01.

Conditions:
Hereditary cancer-predisposing syndrome. Also called: Hereditary Cancer Syndrome; Neoplastic Syndromes, Hereditary; Hereditary neoplastic syndrome; Tumor predisposition. Identifiers: Orphanet 140162, MedGen C0027672, MeSH D009386, MONDO:0015356.
Gorlin syndrome. Also called: Nevoid Basal Cell Carcinoma Syndrome; Basal cell nevus syndrome. Identifiers: Orphanet 377, MedGen C0004779, MONDO:0007187.

gnomAD v4.1: 1 of 1,613,074 alleles (0.000062%); no homozygotes.

Submissions (2):

Ambry Genetics
Classification: Uncertain significance for Hereditary cancer-predisposing syndrome. Last evaluated: 2026-04-01. Review status: criteria provided, single submitter. Criteria: Ambry Variant Classification Scheme 2023. Collection method: clinical testing. Allele origin: germline.
Comment: The c.3450-5C>T intronic variant results from a C to T substitution 5 nucleotides upstream from coding exon 21 in the PTCH1 gene. This nucleotide position is poorly conserved in available vertebrate species. In silico splice site analysis predicts that this alteration will not have any significant effect on splicing. Based on the available evidence, the clinical significance of this variant remains unclear.

Labcorp Genetics (formerly Invitae), Labcorp
Classification: Likely benign for Gorlin syndrome. Last evaluated: 2024-06-07. Review status: criteria provided, single submitter. Criteria: Invitae Variant Classification Sherloc (09022015). Collection method: clinical testing. Allele origin: germline.

NM_000264.5(PTCH1):c.3450-5C>T

Gene: PTCH1 (patched 1; minus strand). Cytogenetic location: 9q22.32.
Variant type: single nucleotide variant.
Coding change: c.3450-5C>T on transcript NM_000264.5 (MANE Select); 5 bases into the intron before coding-DNA position 3450, C replaced by T.
Molecular consequence: intron variant.
Genome position (GRCh38, 1-based): chr9:95,449,945, G>A on the plus strand (C>T on the coding strand, the complement: PTCH1 is on the minus strand). VCF-style: chr9-95449945-G-A. GRCh37 (hg19) VCF-style: chr9-98212227-G-A.
Other names: c.3447-5C>T (NM_001083603.3); c.3252-5C>T (NM_001083602.3); c.3294-5C>T (NM_001354918.2); c.2997-5C>T (NM_001083605.3, NM_001083604.3, NM_001083606.3 and 1 more transcripts); c.3450-5C>T (NM_000264.3).
Identifiers: ClinVar variation 1590803 (VCV001590803.9), dbSNP rs2136608556, ClinGen allele CA2573144868.